The following is an entry in ClinVar:

NM_005188.4(CBL):c.1706C>G (p.Pro569Arg)

Gene: CBL (Cbl proto-oncogene; plus strand). Cytogenetic location: 11q23.3.
Variant type: single nucleotide variant.
Coding change: c.1706C>G on transcript NM_005188.4 (MANE Select); coding-DNA position 1706, C replaced by G.
Protein change: p.Pro569Arg; replaces proline 569 with arginine.
Molecular consequence: missense variant.
Genome position (GRCh38, 1-based): chr11:119,285,331, C>G. VCF-style: chr11-119285331-C-G. GRCh37 (hg19) VCF-style: chr11-119156041-C-G.
Other names: short protein forms P569R.
Identifiers: ClinVar variation 4532352 (VCV004532352.1).

ClinVar aggregate classification (germline): Uncertain significance (1 of 4 stars; one submission).

Submission:

GeneDx
Classification: Uncertain significance. Last evaluated: 2025-05-29. Review status: criteria provided, single submitter. Criteria: GeneDx Variant Classification Process June 2021. Collection method: clinical testing. Allele origin: germline. Affected: yes.
Comment: Not observed at significant frequency in large population cohorts (gnomAD); In silico analysis suggests that this missense variant does not alter protein structure/function; Has not been previously published as pathogenic or benign to our knowledge; This variant is associated with the following publications: (PMID: 20619386)